The following is an entry in ClinVar:

NM_001927.4(DES):c.1244+1G>A

Gene: DES (desmin; plus strand). Cytogenetic location: 2q35.
Variant type: single nucleotide variant.
Coding change: c.1244+1G>A on transcript NM_001927.4 (MANE Select); the canonical splice donor site of the intron after coding-DNA position 1244, G replaced by A.
Molecular consequence: splice donor variant.
Genome position (GRCh38, 1-based): chr2:219,421,561, G>A. VCF-style: chr2-219421561-G-A. GRCh37 (hg19) VCF-style: chr2-220286283-G-A.
Other names: c.1244+1G>A (NM_001382712.1); c.1223+1G>A (NM_001382711.1); c.1175+1G>A (NM_001382710.1); c.812+1G>A (NM_001382709.1); c.1241+1G>A (NM_001382708.1); c.974+1G>A (NM_001382713.1).
Identifiers: ClinVar variation 2065034 (VCV002065034.4), dbSNP rs2545255549, ClinGen allele CA350695138.

ClinVar aggregate classification (germline): Likely pathogenic (1 of 4 stars; one submission).

Conditions:
Desmin-related myofibrillar myopathy (MFM1). Also called: Desminopathy; MYOFIBRILLAR MYOPATHY WITH ARRHYTHMOGENIC RIGHT VENTRICULAR CARDIOMYOPATHY; DESMIN-RELATED MYOPATHY WITH ARRHYTHMOGENIC RIGHT VENTRICULAR CARDIOMYOPATHY; Desmin related myopathy (former name); Desmin storage myopathy (former name); Myofibrillar myopathy 1. Identifiers: Orphanet 363543, Orphanet 98909, MedGen C1832370, MONDO:0011076, OMIM 601419.

Submission:

Labcorp Genetics (formerly Invitae), Labcorp
Classification: Likely pathogenic for Desmin-related myofibrillar myopathy. Last evaluated: 2022-07-05. Review status: criteria provided, single submitter. Criteria: Invitae Variant Classification Sherloc (09022015). Collection method: clinical testing. Allele origin: germline.
Comment: In summary, the currently available evidence indicates that the variant is pathogenic, but additional data are needed to prove that conclusively. Therefore, this variant has been classified as Likely Pathogenic. Algorithms developed to predict the effect of sequence changes on RNA splicing suggest that this variant may disrupt the consensus splice site. This variant has not been reported in the literature in individuals affected with DES-related conditions. This variant is not present in population databases (gnomAD no frequency). This sequence change affects a donor splice site in intron 6 of the DES gene. It is expected to disrupt RNA splicing. Variants that disrupt the donor or acceptor splice site typically lead to a loss of protein function (PMID: 16199547), and loss-of-function variants in DES are known to be pathogenic (PMID: 23575897).

Literature cited by the submitters: PubMed 16199547; PubMed 23575897.